The following is an entry in ClinVar:

NM_005222.4(DLX6):c.697C>T (p.His233Tyr)

Genes: DLX6 (distal-less homeobox 6; plus strand), DLX6-AS1 (DLX6 antisense RNA 1; minus strand). Cytogenetic location: 7q21.3.
Variant type: single nucleotide variant.
Coding change: c.697C>T on transcript NM_005222.4 (MANE Select); coding-DNA position 697, C replaced by T.
Protein change: p.His233Tyr; replaces histidine 233 with tyrosine.
Molecular consequence: missense variant.
Genome position (GRCh38, 1-based): chr7:97,009,862, C>T. VCF-style: chr7-97009862-C-T. GRCh37 (hg19) VCF-style: chr7-96639174-C-T.
Other names: short protein forms H233Y.
Identifiers: ClinVar variation 3677920 (VCV003677920.2).

ClinVar aggregate classification (germline): Uncertain significance (1 of 4 stars; one submission).

gnomAD v4.1: 4 of 1,613,998 alleles (0.00025%); highest among the groups gnomAD compares: Admixed American, 0.0033%; no homozygotes.

Submission:

Labcorp Genetics (formerly Invitae), Labcorp
Classification: Uncertain significance. Last evaluated: 2024-11-18. Review status: criteria provided, single submitter. Criteria: Invitae Variant Classification Sherloc (09022015). Collection method: clinical testing. Allele origin: germline.
Comment: This sequence change replaces histidine, which is basic and polar, with tyrosine, which is neutral and polar, at codon 233 of the DLX6 protein (p.His233Tyr). This variant is not present in population databases (gnomAD no frequency). This variant has not been reported in the literature in individuals affected with DLX6-related conditions. An algorithm developed to predict the effect of missense changes on protein structure and function (PolyPhen-2) suggests that this variant is likely to be tolerated. In summary, the available evidence is currently insufficient to determine the role of this variant in disease. Therefore, it has been classified as a Variant of Uncertain Significance.